The following is an entry in ClinVar:

NM_199420.4(POLQ):c.5842C>A (p.Leu1948Ile)

Gene: POLQ (DNA polymerase theta; minus strand). Cytogenetic location: 3q13.33.
Variant type: single nucleotide variant.
Coding change: c.5842C>A on transcript NM_199420.4 (MANE Select); coding-DNA position 5842, C replaced by A.
Protein change: p.Leu1948Ile; replaces leucine 1948 with isoleucine.
Molecular consequence: missense variant.
Genome position (GRCh38, 1-based): chr3:121,483,514, G>T on the plus strand (C>A on the coding strand, the complement: POLQ is on the minus strand). VCF-style: chr3-121483514-G-T. GRCh37 (hg19) VCF-style: chr3-121202361-G-T.
Other names: short protein forms L1948I.
Identifiers: ClinVar variation 3230076 (VCV003230076.1), dbSNP rs2546781765, ClinGen allele CA354088672.

ClinVar aggregate classification (germline): Uncertain significance (1 of 4 stars; one submission).

Allele frequency attached by ClinVar (database versions not stated): gnomAD exomes below 0.00001.
gnomAD v4.1: 3 of 1,606,512 alleles (0.00019%); highest among the groups gnomAD compares: Non-Finnish European, 0.00025%; no homozygotes.

Submission:

Ambry Genetics
Classification: Uncertain significance. Last evaluated: 2024-02-18. Review status: criteria provided, single submitter. Criteria: Ambry Variant Classification Scheme 2023. Collection method: clinical testing. Allele origin: germline.
Comment: The p.L1948I variant (also known as c.5842C>A), located in coding exon 18 of the POLQ gene, results from a C to A substitution at nucleotide position 5842. The leucine at codon 1948 is replaced by isoleucine, an amino acid with highly similar properties. This amino acid position is conserved. In addition, this alteration is predicted to be tolerated by in silico analysis. Based on the available evidence, the clinical significance of this alteration remains unclear.